The following is an entry in ClinVar:

NM_001159699.2(FHL1):c.549+130G>A

Gene: FHL1 (four and a half LIM domains 1; plus strand). Cytogenetic location: Xq26.3.
Variant type: single nucleotide variant.
Coding change: c.549+130G>A on transcript NM_001159699.2 (MANE Select); 130 bases into the intron after coding-DNA position 549, G replaced by A.
Molecular consequence: intron variant.
Genome position (GRCh38, 1-based): chrX:136,208,091, G>A. VCF-style: chrX-136208091-G-A. GRCh37 (hg19) VCF-style: chrX-135290250-G-A.
Other names: c.501+130G>A (NM_001159702.3, NM_001449.5, NM_001159703.2 and 9 more transcripts); c.588+130G>A (NM_001159701.2); c.549+130G>A (NM_001330659.2).
Identifiers: ClinVar variation 680185 (VCV000680185.2), dbSNP rs2236003, ClinGen allele CA15051907.

ClinVar aggregate classification (germline): Benign. Review status: criteria provided, multiple submitters, no conflicts (2 of 4 stars). 2 submissions from 2 submitters: Benign (2). Last evaluated 2018-06-14.

Allele frequency attached by ClinVar (database versions not stated): TOPMed 0.31576; 1000 Genomes Project 30x 0.31759; 1000 Genomes Project 0.32106; gnomAD 0.33215 and 0.33360; gnomAD exomes 0.38562.
gnomAD v4.1: 322,720 of 853,681 alleles (38%); highest among the groups gnomAD compares: East Asian, 44%; 43,726 homozygotes.

Submissions (2):

GeneDx
Classification: Benign. Last evaluated: 2018-06-14. Review status: criteria provided, single submitter. Criteria: GeneDx Variant Classification (06012015). Collection method: clinical testing. Allele origin: germline. Affected: yes.
Comment: This variant is considered likely benign or benign based on one or more of the following criteria: it is a conservative change, it occurs at a poorly conserved position in the protein, it is predicted to be benign by multiple in silico algorithms, and/or has population frequency not consistent with disease.

Breakthrough Genomics
Classification: Benign. Review status: criteria provided, single submitter. Criteria: ACMG Guidelines, 2015. Collection method: not provided. Allele origin: germline. Inheritance: X-linked inheritance. Affected: yes.